The following is an entry in ClinVar:

ClinVar aggregate classification (germline): Pathogenic (1 of 4 stars; one submission).

Conditions:
Neuromuscular disease caused by qualitative or quantitative defects of dystrophin. Also called: Qualitative or quantitative defects of dystrophin. Identifiers: Orphanet 207085, MedGen C5679787, MONDO:0016147.

Submission:

Women's Health and Genetics/Laboratory Corporation of America, LabCorp
Classification: Pathogenic for Neuromuscular disease caused by qualitative or quantitative defects of dystrophin. Last evaluated: 2025-09-17. Review status: criteria provided, single submitter. Criteria: LabCorp Variant Classification Summary - May 2015. Collection method: clinical testing. Allele origin: germline.
Comment: Variant summary: The variant involves the duplication of exons 52-63 in the DMD gene. It is assumed to be a tandem duplication in direct orientation (PMIDs: 25640679, 30054569). This Copy Number Variant (CNV) is expected to alter the reading frame and predicted to result in a truncation or absence of the encoded protein due to nonsense mediated decay (NMD). A presumed nomenclature of c.(7542+1_7543-1)_(9286+1_9287-1)dup has been designated for the purposes of this classification. The variant was absent in 15405 control chromosomes. Similar copy number gain has been observed in individual(s) affected with DMD-related dystrophinopathies (White_2006; internal data). These data indicate that the variant may be associated with disease. The following publication has been ascertained in the context of this evaluation (PMID: 17124406). ClinVar contains an entry for this variant (Variation ID: 526154). Based on the evidence outlined above, the variant was classified as pathogenic.

Literature cited by the submitters: PubMed 17124406.

NM_004006.3:c.(7542+1_7543-1)_(9286+1_9287-1)dup

Gene: DMD (dystrophin; minus strand).
Variant type: Duplication.
Other names: c.(7542+1_7543-1)_(9286+1_9287-1)dup (NM_004006.3).
Identifiers: ClinVar variation 4536138 (VCV004536138.1).